The following is an entry in ClinVar:

NC_000015.10:g.(?_48425359)_(48441856_?)del

Gene: FBN1 (fibrillin 1; minus strand). Cytogenetic location: 15q21.1.
Variant type: Deletion.
Identifiers: ClinVar variation 831289 (VCV000831289.7).

ClinVar aggregate classification (germline): Pathogenic (1 of 4 stars; one submission).

Conditions:
Familial thoracic aortic aneurysm and aortic dissection (TAAD). Also called: Thoracic aortic aneurysms and dissections. Identifiers: Orphanet 91387, MedGen C4707243, MONDO:0019625.
Marfan syndrome (MFS). Also called: FBN1-Related Marfan Syndrome; Marfan's syndrome; MARFAN SYNDROME, TYPE I; Marfan syndrome type 1; Marfan syndrome, classic. Identifiers: Orphanet 284963, Orphanet 558, MedGen C0024796, MONDO:0007947, OMIM 154700.

Submission:

Labcorp Genetics (formerly Invitae), Labcorp
Classification: Pathogenic for Marfan syndrome; Familial thoracic aortic aneurysm and aortic dissection. Last evaluated: 2019-08-01. Review status: criteria provided, single submitter. Criteria: Invitae Variant Classification Sherloc (09022015). Collection method: clinical testing. Allele origin: germline.
Comment: For these reasons, this variant has been classified as Pathogenic. This variant affects a cysteine residue in the EGF-like, TGFBP or hybrid motif domains of FBN1. Cysteine residues are believed to be involved in intramolecular disulfide bridges and have been shown to be important for FBN1 protein structure (PMID: 16905551, 19349279). In addition, missense substitutions affecting cysteine residues within these domains are significantly overrepresented among patients with Marfan syndrome (PMID: 16571647, 17701892). This variant has not been reported in the literature in individuals with FBN1-related conditions. This variant is an in-frame deletion of the genomic region encompassing exons 50-60 of the FBN1 gene. It preserves the integrity of the reading frame.

Literature cited by the submitters: PubMed 16905551; PubMed 19349279; PubMed 16571647; PubMed 17701892.